The following is an entry in ClinVar:

ClinVar aggregate classification (germline): Uncertain significance. Review status: criteria provided, multiple submitters, no conflicts (2 of 4 stars). 2 submissions from 2 submitters: Uncertain significance (2). Last evaluated 2025-04-08.

Conditions:
Marfan syndrome (MFS). Also called: Marfan's syndrome; Marfan syndrome, classic; MARFAN SYNDROME, TYPE I; Marfan syndrome type 1; FBN1-Related Marfan Syndrome. Identifiers: Orphanet 284963, Orphanet 558, MedGen C0024796, MONDO:0007947, OMIM 154700.
Familial thoracic aortic aneurysm and aortic dissection (TAAD). Also called: Thoracic aortic aneurysms and dissections. Identifiers: Orphanet 91387, MedGen C4707243, MONDO:0019625.

Submissions (2):

Labcorp Genetics (formerly Invitae), Labcorp
Classification: Uncertain significance for Marfan syndrome; Familial thoracic aortic aneurysm and aortic dissection. Last evaluated: 2025-04-08. Review status: criteria provided, single submitter. Criteria: Invitae Variant Classification Sherloc (09022015). Collection method: clinical testing. Allele origin: germline.
Comment: This sequence change replaces glutamic acid, which is acidic and polar, with lysine, which is basic and polar, at codon 2033 of the FBN1 protein (p.Glu2033Lys). This variant is not present in population databases (gnomAD no frequency). This variant has not been reported in the literature in individuals affected with FBN1-related conditions. ClinVar contains an entry for this variant (Variation ID: 1751536). Invitae Evidence Modeling of protein sequence and biophysical properties (such as structural, functional, and spatial information, amino acid conservation, physicochemical variation, residue mobility, and thermodynamic stability) indicates that this missense variant is not expected to disrupt FBN1 protein function with a negative predictive value of 95%. In summary, the available evidence is currently insufficient to determine the role of this variant in disease. Therefore, it has been classified as a Variant of Uncertain Significance.

Ambry Genetics
Classification: Uncertain significance for Familial thoracic aortic aneurysm and aortic dissection. Last evaluated: 2018-03-12. Review status: criteria provided, single submitter. Criteria: Ambry Variant Classification Scheme 2023. Collection method: clinical testing. Allele origin: germline.
Comment: The p.E2033K variant (also known as c.6097G>A), located in coding exon 49 of the FBN1 gene, results from a G to A substitution at nucleotide position 6097. The glutamic acid at codon 2033 is replaced by lysine, an amino acid with similar properties, and is located in the cbEGF-like #31 domain. This amino acid position is not well conserved in available vertebrate species. In addition, the in silico prediction for this alteration is inconclusive. Since supporting evidence is limited at this time, the clinical significance of this alteration remains unclear.

NM_000138.5(FBN1):c.6097G>A (p.Glu2033Lys)

Gene: FBN1 (fibrillin 1; minus strand). Cytogenetic location: 15q21.1.
Variant type: single nucleotide variant.
Coding change: c.6097G>A on transcript NM_000138.5 (MANE Select); coding-DNA position 6097, G replaced by A.
Protein change: p.Glu2033Lys; replaces glutamic acid 2033 with lysine.
Molecular consequence: missense variant.
Genome position (GRCh38, 1-based): chr15:48,441,787, C>T on the plus strand (G>A on the coding strand, the complement: FBN1 is on the minus strand). VCF-style: chr15-48441787-C-T. GRCh37 (hg19) VCF-style: chr15-48733984-C-T.
Other names: c.6097G>A, p.Glu2033Lys (NM_001406716.1); short protein forms E2033K.
Identifiers: ClinVar variation 1751536 (VCV001751536.3), dbSNP rs2043117047, ClinGen allele CA392338325.